The following is an entry in ClinVar:

ClinVar aggregate classification (germline): Likely pathogenic (1 of 4 stars; one submission).

Conditions:
Primary ciliary dyskinesia 3. Identifiers: Orphanet 244, MedGen C1837618, MONDO:0012085, OMIM 608644.

Submission:

Myriad Genetics, Inc.
Classification: Likely pathogenic for Primary ciliary dyskinesia 3. Last evaluated: 2021-12-17. Review status: criteria provided, single submitter. Criteria: Myriad Women's Health Autosomal Recessive and X-Linked Classification Criteria (2021). Collection method: clinical testing. Allele origin: unknown.
Comment: NM_001369.2(DNAH5):c.10771G>T(G3591*) is expected to be pathogenic in the context of DNAH5-related primary ciliary dyskinesia. This variant is predicted to lead to an abnormal or absent protein product due to the creation of a premature termination codon in DNAH5, a gene where loss-of-function variants are known to be pathogenic. Please note: this variant was assessed in the context of healthy population screening.

NM_001369.3(DNAH5):c.10771G>T (p.Gly3591Ter)

Gene: DNAH5 (dynein axonemal heavy chain 5; minus strand). Cytogenetic location: 5p15.2.
Variant type: single nucleotide variant.
Coding change: c.10771G>T on transcript NM_001369.3 (MANE Select); coding-DNA position 10771, G replaced by T.
Protein change: p.Gly3591Ter; replaces glycine 3591 with a stop codon.
Molecular consequence: nonsense.
Genome position (GRCh38, 1-based): chr5:13,753,334, C>A on the plus strand (G>T on the coding strand, the complement: DNAH5 is on the minus strand). VCF-style: chr5-13753334-C-A. GRCh37 (hg19) VCF-style: chr5-13753443-C-A.
Other names: short protein forms G3591*.
Identifiers: ClinVar variation 1726522 (VCV001726522.2), dbSNP rs2546614878, ClinGen allele CA359191321.